The following is an entry in ClinVar:

ClinVar aggregate classification (germline): Likely pathogenic (1 of 4 stars; one submission).
ClinVar aggregate classification (somatic clinical impact): Tier I - Strong (1 of 4 stars; one submission).
ClinVar aggregate classification (oncogenicity): Likely oncogenic (1 of 4 stars; one submission).

Conditions:
PIK3CA related overgrowth syndrome. Also called: PIK3CA related overgrowth spectrum; PIK3CA-Related Segmental Overgrowth. Identifiers: Orphanet 530313, MedGen C4728213, MONDO:1040002.
Rosette-forming glioneuronal tumor. Identifiers: Orphanet 251975, MedGen C4331262, MONDO:0016736, HP:0025171.
Neoplasm. Also called: tumor; Neoplasm (disease); Neoplasms. Identifiers: MedGen C0027651, MeSH D009369, MONDO:0005070, HP:0002664.

Submissions (3):

Center for Genomic Medicine, Rigshospitalet, Copenhagen University Hospital
Classification: Likely oncogenic for Neoplasm. Last evaluated: 2026-10-16. Review status: criteria provided, single submitter. Criteria: ClinGen/CGC/VICC Guidelines for Oncogenicity, 2022. Collection method: clinical testing. Allele origin: somatic. Affected: yes.

Institute for Genomic Medicine (IGM) Clinical Laboratory, Nationwide Children's Hospital
Classification: Tier I - Strong for Rosette-forming glioneuronal tumor. Assertion type: diagnostic. Clinical significance: supports diagnosis. Last evaluated: 2024-09-27. Review status: criteria provided, single submitter. Criteria: AMP/ASCO/CAP Guidelines, 2017. Collection method: clinical testing. Allele origin: somatic. Affected: yes.
Comment: Variant has Tier I (strong) clinical significance as a diagnostic inclusion criterion in rosette-forming glioneuronal tumor of fourth ventricule, based on the following evidence: 1) Documented in one or more cancer databases (e.g., St. Jude Pecan, COSMIC, CIViC, OncoKB). 2) Appears in one or more well-established professional guidelines (e.g., World Health Organization [WHO]; National Comprehensive Cancer Network [NCCN]) as providing diagnostic, prognostic, or therapeutic information. 3) Information in the literature supports potential biologic effect of variant (PMIDs: 32365913, 29533785). 4) Diagnostic for a specific tumor type/classification according to professional guidelines (Evidence Level A; PMIDs: 31250151, 32859279, 21997360, 23547894, 24806303, 27893178, 28912153).

Care4Rare-SOLVE, CHEO
Classification: Likely pathogenic for PIK3CA related overgrowth syndrome. Review status: criteria provided, single submitter. Criteria: ACMG Guidelines, 2015. Collection method: research. Allele origin: de novo. Affected: yes. Observed: 1 variant allele.

Literature cited by the submitters: PubMed 32365913 (cited by Institute for Genomic Medicine (IGM) Clinical Laboratory, Nationwide Children's Hospital); PubMed 29533785 (cited by Institute for Genomic Medicine (IGM) Clinical Laboratory, Nationwide Children's Hospital); PubMed 31250151 (cited by Institute for Genomic Medicine (IGM) Clinical Laboratory, Nationwide Children's Hospital); PubMed 32859279 (cited by Institute for Genomic Medicine (IGM) Clinical Laboratory, Nationwide Children's Hospital); PubMed 21997360 (cited by Institute for Genomic Medicine (IGM) Clinical Laboratory, Nationwide Children's Hospital); PubMed 23547894 (cited by Institute for Genomic Medicine (IGM) Clinical Laboratory, Nationwide Children's Hospital); PubMed 24806303 (cited by Institute for Genomic Medicine (IGM) Clinical Laboratory, Nationwide Children's Hospital); PubMed 27893178 (cited by Institute for Genomic Medicine (IGM) Clinical Laboratory, Nationwide Children's Hospital); PubMed 28912153 (cited by Institute for Genomic Medicine (IGM) Clinical Laboratory, Nationwide Children's Hospital).

NM_006218.4(PIK3CA):c.2702G>T (p.Cys901Phe)

Gene: PIK3CA (phosphatidylinositol-4,5-bisphosphate 3-kinase catalytic subunit alpha; plus strand). Cytogenetic location: 3q26.32.
Variant type: single nucleotide variant.
Coding change: c.2702G>T on transcript NM_006218.4 (MANE Select); coding-DNA position 2702, G replaced by T.
Protein change: p.Cys901Phe; replaces cysteine 901 with phenylalanine.
Molecular consequence: missense variant.
Genome position (GRCh38, 1-based): chr3:179,230,039, G>T. VCF-style: chr3-179230039-G-T. GRCh37 (hg19) VCF-style: chr3-178947827-G-T.
Other names: short protein forms C901F.
Identifiers: ClinVar variation 2505160 (VCV002505160.3), dbSNP rs2108424082, ClinGen allele CA355279443.